The following is an entry in ClinVar:

ClinVar aggregate classification (germline): Uncertain significance (1 of 4 stars; one submission).

Submission:

Labcorp Genetics (formerly Invitae), Labcorp
Classification: Uncertain significance. Last evaluated: 2023-10-13. Review status: criteria provided, single submitter. Criteria: Invitae Variant Classification Sherloc (09022015). Collection method: clinical testing. Allele origin: germline.
Comment: This sequence change replaces glutamic acid, which is acidic and polar, with glutamine, which is neutral and polar, at codon 499 of the ARIH1 protein (p.Glu499Gln). This variant is not present in population databases (gnomAD no frequency). This variant has not been reported in the literature in individuals affected with ARIH1-related conditions. An algorithm developed to predict the effect of missense changes on protein structure and function (PolyPhen-2) suggests that this variant is likely to be disruptive. In summary, the available evidence is currently insufficient to determine the role of this variant in disease. Therefore, it has been classified as a Variant of Uncertain Significance.

NM_005744.5(ARIH1):c.1495G>C (p.Glu499Gln)

Gene: ARIH1 (ariadne RBR E3 ubiquitin protein ligase 1; plus strand). Cytogenetic location: 15q24.1.
Variant type: single nucleotide variant.
Coding change: c.1495G>C on transcript NM_005744.5 (MANE Select); coding-DNA position 1495, G replaced by C.
Protein change: p.Glu499Gln; replaces glutamic acid 499 with glutamine.
Molecular consequence: missense variant.
Genome position (GRCh38, 1-based): chr15:72,582,093, G>C. VCF-style: chr15-72582093-G-C. GRCh37 (hg19) VCF-style: chr15-72874434-G-C.
Other names: short protein forms E499Q.
Identifiers: ClinVar variation 2995753 (VCV002995753.3), dbSNP rs2542780396, ClinGen allele CA393242142.
Genomic context (GRCh38, chr15:72,582,093, plus strand): 5'-GCTTTATTTTGAAGCCAAAATTTACTTTCATTCTTCTTACAGAATAACCAAGCAGATCTA[G>C]AGAATGCCACAGAGGTGCTCTCGGGCTACCTTGAACGAGATATTTCCCAAGATTCTCTGC-3'
Protein context (NP_005735.2, residues 489-509): IIFENNQADL[Glu499Gln]NATEVLSGYL